The following is an entry in ClinVar:

ClinVar aggregate classification (germline): Uncertain significance (1 of 4 stars; one submission).

Submission:

GeneDx
Classification: Uncertain significance. Last evaluated: 2025-07-14. Review status: criteria provided, single submitter. Criteria: GeneDx Variant Classification Process June 2021. Collection method: clinical testing. Allele origin: germline. Affected: yes.
Comment: Not observed at significant frequency in large population cohorts (gnomAD); In silico analysis supports that this missense variant has a deleterious effect on protein structure/function; Has not been previously published as pathogenic or benign to our knowledge

NM_003280.3(TNNC1):c.310T>G (p.Phe104Val)

Gene: TNNC1 (troponin C1, slow skeletal and cardiac type; minus strand). Cytogenetic location: 3p21.1.
Variant type: single nucleotide variant.
Coding change: c.310T>G on transcript NM_003280.3 (MANE Select); coding-DNA position 310, T replaced by G.
Protein change: p.Phe104Val; replaces phenylalanine 104 with valine.
Molecular consequence: missense variant.
Genome position (GRCh38, 1-based): chr3:52,451,751, A>C on the plus strand (T>G on the coding strand, the complement: TNNC1 is on the minus strand). VCF-style: chr3-52451751-A-C. GRCh37 (hg19) VCF-style: chr3-52485767-A-C.
Other names: short protein forms F104V.
Identifiers: ClinVar variation 4686381 (VCV004686381.1).
Genomic context (GRCh38, chr3:52,451,751, plus strand): 5'-ACAGCTCGGCTTGAGTGTGGGTCAGGGTCAGAGGTCAAGGGTCACGTGCTCACTTGTCAA[A>C]CATGCGGAAGAGGTCAGACAGCTCCTCCTCAGATTTCCCTTTGCTGTCGTCCTTCATGCA-3'
Protein context (NP_003271.1, residues 94-114): EEELSDLFRM[Phe104Val]DKNADGYIDL